The following is an entry in ClinVar:

ClinVar aggregate classification (germline): Pathogenic (1 of 4 stars; one submission).

Allele frequency attached by ClinVar (database versions not stated): gnomAD exomes below 0.00001.
gnomAD v4.1: 1 of 1,614,096 alleles (0.000062%); highest among the groups gnomAD compares: Admixed American, 0.0017%; no homozygotes.

Submission:

Labcorp Genetics (formerly Invitae), Labcorp
Classification: Pathogenic. Last evaluated: 2022-06-27. Review status: criteria provided, single submitter. Criteria: Invitae Variant Classification Sherloc (09022015). Collection method: clinical testing. Allele origin: germline.
Comment: For these reasons, this variant has been classified as Pathogenic. This sequence change creates a premature translational stop signal (p.Trp70*) in the C8B gene. It is expected to result in an absent or disrupted protein product. Loss-of-function variants in C8B are known to be pathogenic (PMID: 7594510). This variant is present in population databases (no rsID available, gnomAD 0.1%). This variant has not been reported in the literature in individuals affected with C8B-related conditions.

Literature cited by the submitters: PubMed 7594510.

NM_000066.4(C8B):c.210G>A (p.Trp70Ter)

Gene: C8B (complement C8 beta chain; minus strand). Cytogenetic location: 1p32.2.
Variant type: single nucleotide variant.
Coding change: c.210G>A on transcript NM_000066.4 (MANE Select); coding-DNA position 210, G replaced by A.
Protein change: p.Trp70Ter; replaces tryptophan 70 with a stop codon.
Molecular consequence: nonsense. On other transcripts: 5 prime UTR variant (1).
Genome position (GRCh38, 1-based): chr1:56,960,059, C>T on the plus strand (G>A on the coding strand, the complement: C8B is on the minus strand). VCF-style: chr1-56960059-C-T. GRCh37 (hg19) VCF-style: chr1-57425732-C-T.
Other names: c.54G>A, p.Trp18Ter (NM_001278543.2); c.-106G>A (NM_001278544.2); short protein forms W18*, W70*.
Identifiers: ClinVar variation 2080806 (VCV002080806.4), dbSNP rs1428653006, ClinGen allele CA340511998.